The following is an entry in ClinVar:

ClinVar aggregate classification (germline): Conflicting classifications of pathogenicity. Review status: criteria provided, conflicting classifications (1 of 4 stars). 2 submissions from 2 submitters: Uncertain significance (1); Likely benign (1). Last evaluated 2026-01-12.

Conditions:
Inborn genetic diseases. Identifiers: MedGen C0950123, MeSH D030342.

Allele frequency attached by ClinVar (database versions not stated): ESP Exome Variant Server 0.00093; gnomAD 0.00106 and 0.00107; TOPMed 0.00110; 1000 Genomes Project 0.00120; 1000 Genomes Project 30x 0.00125.
gnomAD v4.1: 340 of 1,613,910 alleles (0.021%); highest among the groups gnomAD compares: African/African-American, 0.39%; no homozygotes.

Submissions (2):

Labcorp Genetics (formerly Invitae), Labcorp
Classification: Likely benign. Last evaluated: 2026-01-12. Review status: criteria provided, single submitter. Criteria: Invitae Variant Classification Sherloc (09022015). Collection method: clinical testing. Allele origin: germline.

Ambry Genetics
Classification: Uncertain significance for Inborn genetic diseases. Last evaluated: 2025-11-19. Review status: criteria provided, single submitter. Criteria: Ambry Variant Classification Scheme 2023. Collection method: clinical testing. Allele origin: germline.
Comment: The c.772G>T (p.V258L) alteration is located in exon 2 (coding exon 2) of the NPR3 gene. This alteration results from a G to T substitution at nucleotide position 772, causing the valine (V) at amino acid position 258 to be replaced by a leucine (L). Based on data from gnomAD, the T allele has an overall frequency of 0.034% (94/280732) total alleles studied. The highest observed frequency was 0.366% (89/24290) of African alleles. Based on insufficient or conflicting evidence, the clinical significance of this alteration remains unclear.

NM_001204375.2(NPR3):c.772G>T (p.Val258Leu)

Gene: NPR3 (natriuretic peptide receptor 3; plus strand). Cytogenetic location: 5p13.3.
Variant type: single nucleotide variant.
Coding change: c.772G>T on transcript NM_001204375.2 (MANE Select); coding-DNA position 772, G replaced by T.
Protein change: p.Val258Leu; replaces valine 258 with leucine.
Molecular consequence: missense variant. On other transcripts: intron variant (1).
Genome position (GRCh38, 1-based): chr5:32,724,700, G>T. VCF-style: chr5-32724700-G-T. GRCh37 (hg19) VCF-style: chr5-32724806-G-T.
Other names: c.772G>T, p.Val258Leu (NM_000908.4); c.124G>T, p.Val42Leu (NM_001204376.2, NM_001363652.2); c.52G>T, p.Val18Leu (NM_001364458.2); c.121+13917G>T (NM_001364460.2); c.772G>T (NM_001204375.1); short protein forms V18L, V258L, V42L.
Identifiers: ClinVar variation 1588631 (VCV001588631.9), dbSNP rs186814909, ClinGen allele CA3222459.
Genomic context (GRCh38, chr5:32,724,700, plus strand): 5'-CATGCTCGAAGTGCTCTGCAAAGGGGTGCCTCATGTGTGTTGTTTGTTCCTCCCCTAGTG[G>T]TGATCATGTGTGCGAGCAGTGACACCATCCGGAGCATCATGCTGGTGGCGCACAGGCATG-3'
Protein context (NP_001191304.1, residues 248-268): VRNIQASERV[Val258Leu]IMCASSDTIR